The following is an entry in ClinVar:

NM_001029883.3(PCARE):c.2875G>C (p.Ala959Pro)

Gene: PCARE (photoreceptor cilium actin regulator; minus strand). Cytogenetic location: 2p23.2.
Variant type: single nucleotide variant.
Coding change: c.2875G>C on transcript NM_001029883.3 (MANE Select); coding-DNA position 2875, G replaced by C.
Protein change: p.Ala959Pro; replaces alanine 959 with proline.
Molecular consequence: missense variant.
Genome position (GRCh38, 1-based): chr2:29,071,387, C>G on the plus strand (G>C on the coding strand, the complement: PCARE is on the minus strand). VCF-style: chr2-29071387-C-G. GRCh37 (hg19) VCF-style: chr2-29294253-C-G.
Other names: short protein forms A959P.
Identifiers: ClinVar variation 1395961 (VCV001395961.4), dbSNP rs192350796, ClinGen allele CA44640489.
Genomic context (GRCh38, chr2:29,071,387, plus strand): 5'-TGGCCAGGCTGGACTCTGAGGTCCTGTTTTGTCCAGATGGAGGGCCGGAGTGGTGCCAGG[C>G]GATGGCCTTCCGGGGCTGCCTGTAGAGGCTGGTGGCCTTCTCTGCCTGACTCCAAGTCCC-3'
Protein context (NP_001025054.1, residues 949-969): SLYRQPRKAI[Ala959Pro]WHHSGPPSGQ

ClinVar aggregate classification (germline): Uncertain significance (1 of 4 stars; one submission).

gnomAD v4.1: 9 of 1,613,724 alleles (0.00056%); highest among the groups gnomAD compares: Non-Finnish European, 0.00076%; no homozygotes.

Submission:

Labcorp Genetics (formerly Invitae), Labcorp
Classification: Uncertain significance. Last evaluated: 2025-05-19. Review status: criteria provided, single submitter. Criteria: Invitae Variant Classification Sherloc (09022015). Collection method: clinical testing. Allele origin: germline.
Comment: This sequence change replaces alanine, which is neutral and non-polar, with proline, which is neutral and non-polar, at codon 959 of the PCARE protein (p.Ala959Pro). This variant is not present in population databases (gnomAD no frequency). This variant has not been reported in the literature in individuals affected with PCARE-related conditions. ClinVar contains an entry for this variant (Variation ID: 1395961). An algorithm developed to predict the effect of missense changes on protein structure and function outputs the following: PolyPhen-2: "Benign". The proline amino acid residue is found in multiple mammalian species, which suggests that this missense change does not adversely affect protein function. In summary, the available evidence is currently insufficient to determine the role of this variant in disease. Therefore, it has been classified as a Variant of Uncertain Significance.